The following is an entry in ClinVar:

ClinVar aggregate classification (germline): Uncertain significance (1 of 4 stars; one submission).

Submission:

Quest Diagnostics Nichols Institute San Juan Capistrano
Classification: Uncertain significance. Last evaluated: 2024-10-24. Review status: criteria provided, single submitter. Criteria: Quest Diagnostics criteria. Collection method: clinical testing. Allele origin: unknown.
Comment: The SDHA c.*1T>G variant has not been reported in individuals with SDHA-related conditions in the published literature. It also has not been reported in large, multi-ethnic general populations (Genome Aggregation Database). Analysis of this variant using software algorithms for the prediction of the effect of nucleotide changes on splicing yielded predictions that this variant does not affect SDHA mRNA splicing. Based on the available information, we are unable to determine the clinical significance of this variant.

NM_004168.4(SDHA):c.*1T>G

Gene: SDHA (succinate dehydrogenase complex flavoprotein subunit A; plus strand). Cytogenetic location: 5p15.33.
Variant type: single nucleotide variant.
Coding change: c.*1T>G on transcript NM_004168.4 (MANE Select); 1 bases downstream of the stop codon, T replaced by G.
Molecular consequence: 3 prime UTR variant.
Genome position (GRCh38, 1-based): chr5:256,421, T>G. VCF-style: chr5-256421-T-G. GRCh37 (hg19) VCF-style: chr5-256536-T-G.
Other names: c.*1T>G (NM_001294332.2, NM_001330758.2).
Identifiers: ClinVar variation 3572231 (VCV003572231.1).